The following is an entry in ClinVar:

NM_015570.4(AUTS2):c.1336C>G (p.Pro446Ala)

Gene: AUTS2 (activator of transcription and developmental regulator AUTS2; plus strand). Cytogenetic location: 7q11.22.
Variant type: single nucleotide variant.
Coding change: c.1336C>G on transcript NM_015570.4 (MANE Select); coding-DNA position 1336, C replaced by G.
Protein change: p.Pro446Ala; replaces proline 446 with alanine.
Molecular consequence: missense variant.
Genome position (GRCh38, 1-based): chr7:70,764,873, C>G. VCF-style: chr7-70764873-C-G. GRCh37 (hg19) VCF-style: chr7-70229859-C-G.
Other names: c.1336C>G, p.Pro446Ala (NM_001127231.3); short protein forms P446A.
Identifiers: ClinVar variation 2507159 (VCV002507159.1), dbSNP rs1202995616, ClinGen allele CA367668355.

ClinVar aggregate classification (germline): Uncertain significance (1 of 4 stars; one submission).

Submission:

GeneDx
Classification: Uncertain significance. Last evaluated: 2023-01-03. Review status: criteria provided, single submitter. Criteria: GeneDx Variant Classification Process June 2021. Collection method: clinical testing. Allele origin: germline. Affected: yes.
Comment: Not observed at significant frequency in large population cohorts (gnomAD); In silico analysis supports that this missense variant does not alter protein structure/function; Has not been previously published as pathogenic or benign to our knowledge